The following is an entry in ClinVar:

ClinVar aggregate classification (germline): Uncertain significance (1 of 4 stars; one submission).

Submission:

Labcorp Genetics (formerly Invitae), Labcorp
Classification: Uncertain significance. Last evaluated: 2025-01-13. Review status: criteria provided, single submitter. Criteria: Invitae Variant Classification Sherloc (09022015). Collection method: clinical testing. Allele origin: germline.
Comment: This sequence change replaces proline, which is neutral and non-polar, with serine, which is neutral and polar, at codon 191 of the MCM2 protein (p.Pro191Ser). This variant is not present in population databases (gnomAD no frequency). This variant has not been reported in the literature in individuals affected with MCM2-related conditions. ClinVar contains an entry for this variant (Variation ID: 2756180). Invitae Evidence Modeling of protein sequence and biophysical properties (such as structural, functional, and spatial information, amino acid conservation, physicochemical variation, residue mobility, and thermodynamic stability) has been performed for this missense variant. However, the output from this modeling did not meet the statistical confidence thresholds required to predict the impact of this variant on MCM2 protein function. In summary, the available evidence is currently insufficient to determine the role of this variant in disease. Therefore, it has been classified as a Variant of Uncertain Significance.

NM_004526.4(MCM2):c.571C>T (p.Pro191Ser)

Gene: MCM2 (minichromosome maintenance complex component 2; plus strand). Cytogenetic location: 3q21.3.
Variant type: single nucleotide variant.
Coding change: c.571C>T on transcript NM_004526.4 (MANE Select); coding-DNA position 571, C replaced by T.
Protein change: p.Pro191Ser; replaces proline 191 with serine.
Molecular consequence: missense variant. On other transcripts: non-coding transcript variant (1).
Genome position (GRCh38, 1-based): chr3:127,605,054, C>T. VCF-style: chr3-127605054-C-T. GRCh37 (hg19) VCF-style: chr3-127323897-C-T.
Other names: short protein forms P191S.
Identifiers: ClinVar variation 2756180 (VCV002756180.3), dbSNP rs2473277277, ClinGen allele CA354383408.